The following is an entry in ClinVar:

NM_000384.3(APOB):c.925G>A (p.Ala309Thr)

Gene: APOB (apolipoprotein B; minus strand). Cytogenetic location: 2p24.1.
Variant type: single nucleotide variant.
Coding change: c.925G>A on transcript NM_000384.3 (MANE Select); coding-DNA position 925, G replaced by A.
Protein change: p.Ala309Thr; replaces alanine 309 with threonine.
Molecular consequence: missense variant.
Genome position (GRCh38, 1-based): chr2:21,033,498, C>T on the plus strand (G>A on the coding strand, the complement: APOB is on the minus strand). VCF-style: chr2-21033498-C-T. GRCh37 (hg19) VCF-style: chr2-21256370-C-T.
Other names: p.Ala309Thr; short protein forms A309T.
Identifiers: ClinVar variation 544069 (VCV000544069.57), dbSNP rs141888564, ClinGen allele CA066411.

ClinVar aggregate classification (germline): Conflicting classifications of pathogenicity. Review status: criteria provided, conflicting classifications (1 of 4 stars). 9 submissions from 9 submitters: Uncertain significance (6); Benign (1); Likely benign (2). Last evaluated 2025-12-05.

Conditions:
Cardiovascular phenotype. Identifiers: MedGen CN230736.
Hypercholesterolemia, autosomal dominant, type B (FHCL2). Also called: Hyperlipoproteinemia Type IIb; HYPERCHOLESTEROLEMIA, FAMILIAL, DUE TO LIGAND-DEFECTIVE APOLIPOPROTEIN B; Familial Hypercholesterolemia Type B; Familial hypercholesterolemia 2; APOB-Related Familial Hypercholesterolemia, Autosomal Dominant; APOLIPOPROTEIN B-100, FAMILIAL DEFECTIVE. Identifiers: MedGen C1704417, MONDO:0007751, OMIM 144010.
Familial hypobetalipoproteinemia 1. Also called: APOB-Related Familial Hypobetalipoproteinemia; Hypobetalipoproteinemia, normotriglyceridemic; Acanthocytosis with hypobetalipoproteinemia. Identifiers: MedGen C4551990, MONDO:0014252, OMIM 615558.

Allele frequency attached by ClinVar (database versions not stated): TOPMed 0.00020; gnomAD 0.00022 and 0.00026; ESP Exome Variant Server 0.00023.
gnomAD v4.1: 433 of 1,613,926 alleles (0.027%); highest among the groups gnomAD compares: Non-Finnish European, 0.033%; no homozygotes.

Submissions (9):

Labcorp Genetics (formerly Invitae), Labcorp
Classification: Likely benign for Familial hypobetalipoproteinemia 1; Hypercholesterolemia, autosomal dominant, type B. Last evaluated: 2025-12-05. Review status: criteria provided, single submitter. Criteria: Invitae Variant Classification Sherloc (09022015). Collection method: clinical testing. Allele origin: germline.

Mayo Clinic Laboratories, Mayo Clinic
Classification: Uncertain significance. Last evaluated: 2025-09-11. Review status: criteria provided, single submitter. Criteria: ACMG Guidelines, 2015. Collection method: clinical testing. Allele origin: germline. Observed: 1 variant allele.
Comment: BP4_moderate

Women's Health and Genetics/Laboratory Corporation of America, LabCorp
Classification: Uncertain significance. Last evaluated: 2025-07-28. Review status: criteria provided, single submitter. Criteria: LabCorp Variant Classification Summary - May 2015. Collection method: clinical testing. Allele origin: germline.
Comment: Variant summary: APOB c.925G>A (p.Ala309Thr) results in a non-conservative amino acid change in the encoded protein sequence. Algorithms developed to predict the effect of missense changes on protein structure and function are either unavailable or do not agree on the potential impact of this missense change. The variant allele was found at a frequency of 0.00021 in 251452 control chromosomes, predominantly at a frequency of 0.0004 within the Non-Finnish European subpopulation in the gnomAD database. This frequency is not significantly higher than estimated for a pathogenic variant in APOB causing Familial Hypobetalipoproteinemia 1 Recessive, allowing no conclusion about variant significance. To our knowledge, no occurrence of c.925G>A in individuals affected with Familial Hypobetalipoproteinemia 1 Recessive and no experimental evidence demonstrating its impact on protein function have been reported. ClinVar contains an entry for this variant (Variation ID: 544069). Based on the evidence outlined above, the variant was classified as uncertain significance.

Ambry Genetics
Classification: Benign for Cardiovascular phenotype. Last evaluated: 2024-10-02. Review status: criteria provided, single submitter. Criteria: Ambry Variant Classification Scheme 2023. Collection method: clinical testing. Allele origin: germline.

Quest Diagnostics Nichols Institute San Juan Capistrano
Classification: Uncertain significance. Last evaluated: 2024-09-02. Review status: criteria provided, single submitter. Criteria: Quest Diagnostics criteria. Collection method: clinical testing. Allele origin: unknown.
Comment: The APOB c.925G>A (p.Ala309Thr) variant has not been reported in individuals with APOB-related conditions in the published literature. The frequency of this variant in the general population, 0.00073 (19/26134 chromosomes in Swedish subpopulation (Genome Aggregation Database)), is higher than would generally be expected for pathogenic variants in this gene. Analysis of this variant using bioinformatics tools for the prediction of the effect of amino acid changes on protein structure and function yielded predictions that this variant is benign. Based on the available information, we are unable to determine the clinical significance of this variant.

Blueprint Genetics
Classification: Likely benign. Last evaluated: 2024-08-01. Review status: criteria provided, single submitter. Criteria: ACMG Guidelines, 2015. Collection method: clinical testing. Allele origin: germline.

Fulgent Genetics
Classification: Uncertain significance for Hypercholesterolemia, autosomal dominant, type B; Familial hypobetalipoproteinemia 1. Last evaluated: 2024-03-06. Review status: criteria provided, single submitter. Criteria: ACMG Guidelines, 2015. Collection method: clinical testing. Allele origin: germline.

CeGaT Center for Human Genetics Tuebingen
Classification: Uncertain significance. Last evaluated: 2021-04-01. Review status: criteria provided, single submitter. Criteria: CeGaT Center For Human Genetics Tuebingen Variant Classification Criteria Version 2. Collection method: clinical testing. Allele origin: germline. Affected: yes. Observed: 1 variant allele.

Genetic Services Laboratory, University of Chicago
Classification: Uncertain significance. Last evaluated: 2021-02-18. Review status: criteria provided, single submitter. Criteria: ACMG Guidelines, 2015. Collection method: clinical testing. Allele origin: germline. Affected: no.
Comment: DNA sequence analysis of the APOB gene demonstrated a sequence change, c.925G>A, in exon 9 that results in an amino acid change, p.Ala309Thr. This sequence change has been described in gnomAD with a low population frequency of 0.022% (dbSNP rs141888564). The p.Ala309Thr change affects a moderately conserved amino acid residue located in a domain of the APOB protein that is known to be functional. The p.Ala309Thr substitution appears to be benign using several in-silico pathogenicity prediction tools (SIFT, PolyPhen2, Align GVGD, REVEL). This sequence change does not appear to have been previously described in patients with APOB-related disorders. Due to the lack of sufficient evidences, the clinical significance of the p.Ala309Thr change remains unknown at this time.